The following is an entry in ClinVar:

NM_001145319.2(PLS1):c.1028A>T (p.Asp343Val)

Gene: PLS1 (plastin 1; plus strand). Cytogenetic location: 3q23.
Variant type: single nucleotide variant.
Coding change: c.1028A>T on transcript NM_001145319.2 (MANE Select); coding-DNA position 1028, A replaced by T.
Protein change: p.Asp343Val; replaces aspartic acid 343 with valine.
Molecular consequence: missense variant.
Genome position (GRCh38, 1-based): chr3:142,689,664, A>T. VCF-style: chr3-142689664-A-T. GRCh37 (hg19) VCF-style: chr3-142408506-A-T.
Other names: c.1028A>T, p.Asp343Val (NM_001172312.2, NM_002670.3); c.1028A>T (NM_001145319.1); short protein forms D343V.
Identifiers: ClinVar variation 2368274 (VCV002368274.32), dbSNP rs146967957, ClinGen allele CA2651204.

ClinVar aggregate classification (germline): Conflicting classifications of pathogenicity. Review status: criteria provided, conflicting classifications (1 of 4 stars). 3 submissions from 3 submitters: Uncertain significance (1); Likely benign (1). 1 of the submissions does not count toward it. Last evaluated 2024-05-30.

Conditions:
PLS1-related disorder. Also called: PLS1-related condition.
Inborn genetic diseases. Identifiers: MedGen C0950123, MeSH D030342.

Allele frequency attached by ClinVar (database versions not stated): 1000 Genomes Project 30x 0.00016; 1000 Genomes Project 0.00020; gnomAD 0.00042; TOPMed 0.00045; ExAC 0.00056; gnomAD exomes 0.00066; ESP Exome Variant Server 0.00069.
gnomAD v4.1: 1,012 of 1,611,120 alleles (0.063%); highest among the groups gnomAD compares: Middle Eastern, 0.12%; 2 homozygotes.

Submissions (3):

Ambry Genetics
Classification: Uncertain significance for Inborn genetic diseases. Last evaluated: 2024-05-30. Review status: criteria provided, single submitter. Criteria: Ambry Variant Classification Scheme 2023. Collection method: clinical testing. Allele origin: germline.

CeGaT Center for Human Genetics Tuebingen
Classification: Likely benign. Last evaluated: 2023-04-01. Review status: criteria provided, single submitter. Criteria: CeGaT Center For Human Genetics Tuebingen Variant Classification Criteria Version 2. Collection method: clinical testing. Allele origin: germline. Affected: yes. Observed: 2 variant alleles.
Comment: PLS1: BS2

PreventionGenetics, part of Exact Sciences
Classification: Likely benign for PLS1-related condition. Last evaluated: 2023-04-14. Review status: no assertion criteria provided. Collection method: clinical testing. Allele origin: germline. Not counted in ClinVar's aggregate classification.
Comment: This variant is classified as likely benign based on ACMG/AMP sequence variant interpretation guidelines (Richards et al. 2015 PMID: 25741868, with internal and published modifications).